The following is an entry in ClinVar:

ClinVar aggregate classification (germline): Uncertain significance. Review status: criteria provided, multiple submitters, no conflicts (2 of 4 stars). 2 submissions from 2 submitters: Uncertain significance (2). Last evaluated 2025-06-17.

Conditions:
Primary ciliary dyskinesia. Also called: Ciliary dyskinesia. Identifiers: Orphanet 244, MedGen C0008780, MONDO:0016575, HP:0012265.
Inborn genetic diseases. Identifiers: MedGen C0950123, MeSH D030342.

Allele frequency attached by ClinVar (database versions not stated): TOPMed below 0.00001.

Submissions (2):

Labcorp Genetics (formerly Invitae), Labcorp
Classification: Uncertain significance for Primary ciliary dyskinesia. Last evaluated: 2025-06-17. Review status: criteria provided, single submitter. Criteria: Invitae Variant Classification Sherloc (09022015). Collection method: clinical testing. Allele origin: germline.
Comment: This sequence change replaces proline, which is neutral and non-polar, with serine, which is neutral and polar, at codon 617 of the DRC1 protein (p.Pro617Ser). This variant is not present in population databases (gnomAD no frequency). This variant has not been reported in the literature in individuals affected with DRC1-related conditions. ClinVar contains an entry for this variant (Variation ID: 1051781). An algorithm developed to predict the effect of missense changes on protein structure and function outputs the following: PolyPhen-2: "Benign". The serine amino acid residue is found in multiple mammalian species, which suggests that this missense change does not adversely affect protein function. In summary, the available evidence is currently insufficient to determine the role of this variant in disease. Therefore, it has been classified as a Variant of Uncertain Significance.

Ambry Genetics
Classification: Uncertain significance for Inborn genetic diseases. Last evaluated: 2024-12-10. Review status: criteria provided, single submitter. Criteria: Ambry Variant Classification Scheme 2023. Collection method: clinical testing. Allele origin: germline.

NM_145038.5(DRC1):c.1849C>T (p.Pro617Ser)

Gene: DRC1 (dynein regulatory complex subunit 1; plus strand). Cytogenetic location: 2p23.3.
Variant type: single nucleotide variant.
Coding change: c.1849C>T on transcript NM_145038.5 (MANE Select); coding-DNA position 1849, C replaced by T.
Protein change: p.Pro617Ser; replaces proline 617 with serine.
Molecular consequence: missense variant.
Genome position (GRCh38, 1-based): chr2:26,453,479, C>T. VCF-style: chr2-26453479-C-T. GRCh37 (hg19) VCF-style: chr2-26676347-C-T.
Other names: c.1849C>T (NM_145038.2); short protein forms P617S.
Identifiers: ClinVar variation 1051781 (VCV001051781.6), dbSNP rs1664062937, ClinGen allele CA346120319.
Genomic context (GRCh38, chr2:26,453,479, plus strand): 5'-GAAAAGGAAGAAAGCCTGGTGGAAGGGGAGAAGGAGGAAGAGGAGGAGACCCCACCCTCC[C>T]CCTGGGTCATCCACCCCAATGATGTCCTCAAGATTCTGGAGGCCTTCGTCATGGGTCTGA-3'
Protein context (NP_659475.2, residues 607-627): KEEEEETPPS[Pro617Ser]WVIHPNDVLK